The following is an entry in ClinVar:

NM_018100.4(EFHC1):c.1895A>G (p.Tyr632Cys)

Gene: EFHC1 (EF-hand domain containing 1; plus strand). Cytogenetic location: 6p12.2.
Variant type: single nucleotide variant.
Coding change: c.1895A>G on transcript NM_018100.4 (MANE Select); coding-DNA position 1895, A replaced by G.
Protein change: p.Tyr632Cys; replaces tyrosine 632 with cysteine.
Molecular consequence: missense variant. On other transcripts: non-coding transcript variant (1).
Genome position (GRCh38, 1-based): chr6:52,492,313, A>G. VCF-style: chr6-52492313-A-G. GRCh37 (hg19) VCF-style: chr6-52357111-A-G.
Other names: c.1838A>G, p.Tyr613Cys (NM_001172420.2); short protein forms Y632C, Y613C.
Identifiers: ClinVar variation 357486 (VCV000357486.12), dbSNP rs770182350, ClinGen allele CA3856212.

ClinVar aggregate classification (germline): Uncertain significance (1 of 4 stars; one submission).

Conditions:
Absence seizure. Also called: Absence epilepsy. Identifiers: Orphanet 1941, MedGen C0014553.
Myoclonic epilepsy, juvenile, susceptibility to, 1. Also called: Myoclonic Epilepsy, Juvenile, 1; EJM1. Identifiers: MedGen C1850778, MONDO:0020752, OMIM 254770.

Allele frequency attached by ClinVar (database versions not stated): gnomAD 0.00001; gnomAD exomes 0.00001 and 0.00002; TOPMed 0.00001; ExAC 0.00004.
gnomAD v4.1: 11 of 1,614,084 alleles (0.00068%); highest among the groups gnomAD compares: Middle Eastern, 0.017%; no homozygotes.

Submission:

Labcorp Genetics (formerly Invitae), Labcorp
Classification: Uncertain significance for Myoclonic epilepsy, juvenile, susceptibility to, 1; Absence seizure. Last evaluated: 2020-11-17. Review status: criteria provided, single submitter. Criteria: Invitae Variant Classification Sherloc (09022015). Collection method: clinical testing. Allele origin: germline.
Comment: This sequence change replaces tyrosine with cysteine at codon 632 of the EFHC1 protein (p.Tyr632Cys). The tyrosine residue is moderately conserved and there is a large physicochemical difference between tyrosine and cysteine. This variant is present in population databases (rs770182350, ExAC 0.008%). This variant has not been reported in the literature in individuals with EFHC1-related conditions. ClinVar contains an entry for this variant (Variation ID: 357486). Algorithms developed to predict the effect of missense changes on protein structure and function output the following: SIFT: "Tolerated"; PolyPhen-2: "Benign"; Align-GVGD: "Class C0". The cysteine amino acid residue is found in multiple mammalian species, suggesting that this missense change does not adversely affect protein function. These predictions have not been confirmed by published functional studies and their clinical significance is uncertain. Algorithms developed to predict the effect of sequence changes on RNA splicing suggest that this variant may create or strengthen a splice site, but this prediction has not been confirmed by published transcriptional studies. In summary, the available evidence is currently insufficient to determine the role of this variant in disease. Therefore, it has been classified as a Variant of Uncertain Significance.